The following is an entry in ClinVar:

ClinVar aggregate classification (germline): Uncertain significance. Review status: criteria provided, multiple submitters, no conflicts (2 of 4 stars). 2 submissions from 2 submitters: Uncertain significance (2). Last evaluated 2024-09-16.

Conditions:
Familial adenomatous polyposis 1 (FAP1). Also called: FAMILIAL ADENOMATOUS POLYPOSIS 1, ATTENUATED; POLYPOSIS, ADENOMATOUS INTESTINAL. Identifiers: MedGen C2713442, MONDO:0021056, OMIM 175100. Disease mechanism: loss of function.
Hereditary cancer-predisposing syndrome. Also called: Tumor predisposition; Neoplastic Syndromes, Hereditary; Hereditary neoplastic syndrome; Hereditary Cancer Syndrome. Identifiers: Orphanet 140162, MedGen C0027672, MeSH D009386, MONDO:0015356.

Submissions (2):

Labcorp Genetics (formerly Invitae), Labcorp
Classification: Uncertain significance for Familial adenomatous polyposis 1. Last evaluated: 2024-09-16. Review status: criteria provided, single submitter. Criteria: Invitae Variant Classification Sherloc (09022015). Collection method: clinical testing. Allele origin: germline.
Comment: This sequence change replaces glycine, which is neutral and non-polar, with alanine, which is neutral and non-polar, at codon 2637 of the APC protein (p.Gly2637Ala). This variant is not present in population databases (gnomAD no frequency). This variant has not been reported in the literature in individuals affected with APC-related conditions. ClinVar contains an entry for this variant (Variation ID: 850770). Invitae Evidence Modeling of protein sequence and biophysical properties (such as structural, functional, and spatial information, amino acid conservation, physicochemical variation, residue mobility, and thermodynamic stability) indicates that this missense variant is not expected to disrupt APC protein function with a negative predictive value of 95%. In summary, the available evidence is currently insufficient to determine the role of this variant in disease. Therefore, it has been classified as a Variant of Uncertain Significance.

Ambry Genetics
Classification: Uncertain significance for Hereditary cancer-predisposing syndrome. Last evaluated: 2019-09-25. Review status: criteria provided, single submitter. Criteria: Ambry Variant Classification Scheme 2023. Collection method: clinical testing. Allele origin: germline.
Comment: The p.G2637A variant (also known as c.7910G>C), located in coding exon 15 of the APC gene, results from a G to C substitution at nucleotide position 7910. The glycine at codon 2637 is replaced by alanine, an amino acid with similar properties. This amino acid position is well conserved in available vertebrate species. In addition, in silico predictors for this gene do not accurately predict pathogenicity. Since supporting evidence is limited at this time, the clinical significance of this alteration remains unclear.

NM_000038.6(APC):c.7910G>C (p.Gly2637Ala)

Gene: APC (APC regulator of Wnt signaling pathway; plus strand). Cytogenetic location: 5q22.2.
Variant type: single nucleotide variant.
Coding change: c.7910G>C on transcript NM_000038.6 (MANE Select); coding-DNA position 7910, G replaced by C.
Protein change: p.Gly2637Ala; replaces glycine 2637 with alanine.
Molecular consequence: missense variant.
Genome position (GRCh38, 1-based): chr5:112,843,504, G>C. VCF-style: chr5-112843504-G-C. GRCh37 (hg19) VCF-style: chr5-112179201-G-C.
Other names: c.7910G>C, p.Gly2637Ala (NM_001127510.3, NM_001354895.2); c.7856G>C, p.Gly2619Ala (NM_001127511.3); c.7964G>C, p.Gly2655Ala (NM_001354896.2); c.7940G>C, p.Gly2647Ala (NM_001354897.2); c.7835G>C, p.Gly2612Ala (NM_001354898.2); c.7826G>C, p.Gly2609Ala (NM_001354899.2); c.7787G>C, p.Gly2596Ala (NM_001354900.2); c.7733G>C, p.Gly2578Ala (NM_001354901.2); and 5 more; short protein forms G2596A, G2637A, G2647A, G2511A, G2546A, G2609A, G2655A, G2354A.
Identifiers: ClinVar variation 850770 (VCV000850770.13), dbSNP rs752753706, ClinGen allele CA16038511.